The following is an entry in ClinVar:

ClinVar aggregate classification (germline): Benign. Review status: criteria provided, single submitter (1 of 4 stars). 2 submissions from 2 submitters: Benign (1). 1 of the submissions does not count toward it. Last evaluated 2018-04-16.

Conditions:
RELT-related disorder. Also called: RELT-related condition.

Allele frequency attached by ClinVar (database versions not stated): ESP Exome Variant Server 0.00015; gnomAD exomes 0.00112 and 0.00380; gnomAD 0.00144 and 0.00198; TOPMed 0.00190; ExAC 0.00332; 1000 Genomes Project 30x 0.01140; 1000 Genomes Project 0.01258.
gnomAD v4.1: 2,110 of 1,608,968 alleles (0.13%); highest among the groups gnomAD compares: East Asian, 3.9%; 51 homozygotes.

Submissions (2):

Labcorp Genetics (formerly Invitae), Labcorp
Classification: Benign. Last evaluated: 2018-04-16. Review status: criteria provided, single submitter. Criteria: Invitae Variant Classification Sherloc (09022015). Collection method: clinical testing. Allele origin: germline.

PreventionGenetics, part of Exact Sciences
Classification: Benign for RELT-related condition. Last evaluated: 2019-12-11. Review status: no assertion criteria provided. Collection method: clinical testing. Allele origin: germline. Not counted in ClinVar's aggregate classification.
Comment: This variant is classified as benign based on ACMG/AMP sequence variant interpretation guidelines (Richards et al. 2015 PMID: 25741868, with internal and published modifications).

NM_152222.2(RELT):c.801G>A (p.Ala267=)

Gene: RELT (RELT TNF receptor; plus strand). Cytogenetic location: 11q13.4.
Variant type: single nucleotide variant.
Coding change: c.801G>A on transcript NM_152222.2 (MANE Select); coding-DNA position 801, G replaced by A.
Protein change: p.Ala267=; no amino-acid change (alanine 267 retained).
Molecular consequence: synonymous variant.
Genome position (GRCh38, 1-based): chr11:73,394,489, G>A. VCF-style: chr11-73394489-G-A. GRCh37 (hg19) VCF-style: chr11-73105534-G-A.
Other names: c.801G>A, p.Ala267= (NM_032871.4); c.801G>A (NM_152222.1).
Identifiers: ClinVar variation 715513 (VCV000715513.5), dbSNP rs141705063, ClinGen allele CA6178793.